The following is an entry in ClinVar:

ClinVar aggregate classification (germline): Conflicting classifications of pathogenicity. Review status: criteria provided, conflicting classifications (1 of 4 stars). 2 submissions from 2 submitters: Uncertain significance (1); Likely benign (1). Last evaluated 2023-03-23.

Conditions:
Hereditary cancer-predisposing syndrome. Also called: Hereditary Cancer Syndrome; Tumor predisposition; Hereditary neoplastic syndrome; Neoplastic Syndromes, Hereditary. Identifiers: Orphanet 140162, MedGen C0027672, MeSH D009386, MONDO:0015356.
Hereditary breast ovarian cancer syndrome. Also called: Hereditary breast and ovarian cancer syndrome (HBOC); Breast and ovarian cancer; Hereditary breast and ovarian cancer syndrome; Hereditary breast and/or ovarian cancer syndrome; Hereditary breast and ovarian cancer; BRCA1- and BRCA2-Associated Hereditary Breast and Ovarian Cancer. Identifiers: Orphanet 145, MedGen C0677776, MeSH D061325, MONDO:0003582. Disease mechanism: loss of function.

Submissions (2):

University of Washington Department of Laboratory Medicine, University of Washington
Classification: Likely benign for Hereditary cancer-predisposing syndrome. Last evaluated: 2023-03-23. Review status: criteria provided, single submitter. Criteria: Dines et al. (Genet Med. 2020). Collection method: curation. Allele origin: germline.
Comment: Missense variant in a coldspot region where missense variants are very unlikely to be pathogenic (PMID:31911673).

BRCA2 exon 11 coldspot. Reclassification based on statistical prior probability.

Labcorp Genetics (formerly Invitae), Labcorp
Classification: Uncertain significance for Hereditary breast ovarian cancer syndrome. Last evaluated: 2020-12-20. Review status: criteria provided, single submitter. Criteria: Invitae Variant Classification Sherloc (09022015). Collection method: clinical testing. Allele origin: germline.
Comment: In summary, the available evidence is currently insufficient to determine the role of this variant in disease. Therefore, it has been classified as a Variant of Uncertain Significance. Advanced modeling of protein sequence and biophysical properties (such as structural, functional, and spatial information, amino acid conservation, physicochemical variation, residue mobility, and thermodynamic stability) performed at Invitae indicates that this missense variant is not expected to disrupt BRCA2 protein function. This variant has not been reported in the literature in individuals with BRCA2-related conditions. This variant is not present in population databases (ExAC no frequency). This sequence change replaces asparagine with lysine at codon 1228 of the BRCA2 protein (p.Asn1228Lys). The asparagine residue is moderately conserved and there is a moderate physicochemical difference between asparagine and lysine.

NM_000059.4(BRCA2):c.3684T>A (p.Asn1228Lys)

Gene: BRCA2 (BRCA2 DNA repair associated; plus strand). Cytogenetic location: 13q13.1.
Variant type: single nucleotide variant.
Coding change: c.3684T>A on transcript NM_000059.4 (MANE Select); coding-DNA position 3684, T replaced by A.
Protein change: p.Asn1228Lys; replaces asparagine 1228 with lysine.
Molecular consequence: missense variant.
Genome position (GRCh38, 1-based): chr13:32,338,039, T>A. VCF-style: chr13-32338039-T-A. GRCh37 (hg19) VCF-style: chr13-32912176-T-A.
Other names: short protein forms N1228K.
Identifiers: ClinVar variation 1408835 (VCV001408835.9), dbSNP rs2137498989, ClinGen allele CA387778016.
Genomic context (GRCh38, chr13:32,338,039, plus strand): 5'-AACAGATGAAAATGAAGTGGGGTTTAGGGGCTTTTATTCTGCTCATGGCACAAAACTGAA[T>A]GTTTCTACTGAAGCTCTGCAAAAAGCTGTGAAACTGTTTAGTGATATTGAGAATATTAGT-3'
Protein context (NP_000050.3, residues 1218-1238): GFYSAHGTKL[Asn1228Lys]VSTEALQKAV